The following is an entry in ClinVar:

NM_006648.4(WNK2):c.3542A>G (p.Gln1181Arg)

Gene: WNK2 (WNK lysine deficient protein kinase 2; plus strand). Cytogenetic location: 9q22.31.
Variant type: single nucleotide variant.
Coding change: c.3542A>G on transcript NM_006648.4 (MANE Select); coding-DNA position 3542, A replaced by G.
Protein change: p.Gln1181Arg; replaces glutamine 1181 with arginine.
Molecular consequence: missense variant.
Genome position (GRCh38, 1-based): chr9:93,263,697, A>G. VCF-style: chr9-93263697-A-G. GRCh37 (hg19) VCF-style: chr9-96025979-A-G.
Other names: c.3542A>G, p.Gln1181Arg (NM_001282394.3); short protein forms Q1181R.
Identifiers: ClinVar variation 4201700 (VCV004201700.1).

ClinVar aggregate classification (germline): Uncertain significance (1 of 4 stars; one submission).

Submission:

Ambry Genetics
Classification: Uncertain significance. Last evaluated: 2025-08-02. Review status: criteria provided, single submitter. Criteria: Ambry Variant Classification Scheme 2023. Collection method: clinical testing. Allele origin: germline.
Comment: The p.Q1181R variant (also known as c.3542A>G), located in coding exon 14 of the WNK2 gene, results from an A to G substitution at nucleotide position 3542. The glutamine at codon 1181 is replaced by arginine, an amino acid with highly similar properties. This amino acid position is conserved. In addition, this alteration is predicted to be tolerated by in silico analysis. Based on the available evidence, the clinical significance of this variant remains unclear.